The following is an entry in ClinVar:

ClinVar aggregate classification (germline): Uncertain significance (1 of 4 stars; one submission).

Conditions:
Oligodontia-cancer predisposition syndrome. Also called: TOOTH AGENESIS-COLORECTAL CANCER SYNDROME. Identifiers: Orphanet 300576, MedGen C1837750, MONDO:0012075, OMIM 608615. Disease mechanism: loss of function.

Submission:

Labcorp Genetics (formerly Invitae), Labcorp
Classification: Uncertain significance for Oligodontia-cancer predisposition syndrome. Last evaluated: 2019-03-13. Review status: criteria provided, single submitter. Criteria: Invitae Variant Classification Sherloc (09022015). Collection method: clinical testing. Allele origin: germline.
Comment: In summary, the available evidence is currently insufficient to determine the role of this variant in disease. Therefore, it has been classified as a Variant of Uncertain Significance. Algorithms developed to predict the effect of missense changes on protein structure and function (SIFT, PolyPhen-2, Align-GVGD) all suggest that this variant is likely to be disruptive, but these predictions have not been confirmed by published functional studies and their clinical significance is uncertain. This variant has not been reported in the literature in individuals with AXIN2-related conditions. This variant is not present in population databases (ExAC no frequency). This sequence change replaces tryptophan with cysteine at codon 234 of the AXIN2 protein (p.Trp234Cys). The tryptophan residue is highly conserved and there is a large physicochemical difference between tryptophan and cysteine.

NM_004655.4(AXIN2):c.702G>T (p.Trp234Cys)

Gene: AXIN2 (axin 2; minus strand). Cytogenetic location: 17q24.1.
Variant type: single nucleotide variant.
Coding change: c.702G>T on transcript NM_004655.4 (MANE Select); coding-DNA position 702, G replaced by T.
Protein change: p.Trp234Cys; replaces tryptophan 234 with cysteine.
Molecular consequence: missense variant.
Genome position (GRCh38, 1-based): chr17:65,557,919, C>A on the plus strand (G>T on the coding strand, the complement: AXIN2 is on the minus strand). VCF-style: chr17-65557919-C-A. GRCh37 (hg19) VCF-style: chr17-63554037-C-A.
Other names: c.702G>T, p.Trp234Cys (NM_001363813.1); short protein forms W234C.
Identifiers: ClinVar variation 849529 (VCV000849529.9), dbSNP rs2044294792, ClinGen allele CA400680450.